The following is an entry in ClinVar:

ClinVar aggregate classification (germline): Likely pathogenic (1 of 4 stars; one submission).

gnomAD v4.1: 2 of 1,608,106 alleles (0.00012%); highest among the groups gnomAD compares: South Asian, 0.0011%; no homozygotes.

Submission:

GeneDx
Classification: Likely pathogenic. Last evaluated: 2016-03-22. Review status: criteria provided, single submitter. Criteria: GeneDx Variant Classification (06012015). Collection method: clinical testing. Allele origin: germline. Affected: yes.
Comment: The V15A variant has not been published as a pathogenic variant, nor has it been reported as a benign variant to our knowledge. The V15A variant was not observed in approximately 6500 individuals of European and African American ancestry in the NHLBI Exome Sequencing Project, indicating it is not a common benign variant in these populations, nor was V15A present in the Exome Aggregation Consortium (ExAC) database. The V15A substitution occurs at a position that is conserved across species, and in silico analysis predicts this variant is probably damaging to the protein structure/function. In summary, we interpret this variant as likely pathogenic; however, the possibility that it is benign cannot be excluded.

NM_000320.3(QDPR):c.44T>C (p.Val15Ala)

Genes: QDPR (quinoid dihydropteridine reductase; minus strand), LOC129992304 (ATAC-STARR-seq lymphoblastoid silent region 15310; plus strand). Cytogenetic location: 4p15.32.
Variant type: single nucleotide variant.
Coding change: c.44T>C on transcript NM_000320.3 (MANE Select); coding-DNA position 44, T replaced by C.
Protein change: p.Val15Ala; replaces valine 15 with alanine.
Molecular consequence: missense variant. On other transcripts: non-coding transcript variant (1).
Genome position (GRCh38, 1-based): chr4:17,512,011, A>G on the plus strand (T>C on the coding strand, the complement: QDPR is on the minus strand). VCF-style: chr4-17512011-A-G. GRCh37 (hg19) VCF-style: chr4-17513634-A-G.
Other names: c.44T>C, p.Val15Ala (NM_001306140.2); short protein forms V15A.
Identifiers: ClinVar variation 432122 (VCV000432122.2), dbSNP rs750513275, ClinGen allele CA356454438.
Genomic context (GRCh38, chr4:17,512,011, plus strand): 5'-CAGTTGCGGGCCCGAAAAGCCTGCACGCATCGAGAACCCAGAGCGCCCCTGCCGCCGTAC[A>G]CCAGCACCCGGCGCGCCTCGCCTGCAGCCGCCGCCGCCGCCATCCTGCTCCTGCCAGCCC-3'
Protein context (NP_000311.2, residues 5-25): AAAGEARRVL[Val15Ala]YGGRGALGSR